The following is an entry in ClinVar:

NM_019098.5(CNGB3):c.79A>C (p.Asn27His)

Gene: CNGB3 (cyclic nucleotide gated channel subunit beta 3; minus strand). Cytogenetic location: 8q21.3.
Variant type: single nucleotide variant.
Coding change: c.79A>C on transcript NM_019098.5 (MANE Select); coding-DNA position 79, A replaced by C.
Protein change: p.Asn27His; replaces asparagine 27 with histidine.
Molecular consequence: missense variant.
Genome position (GRCh38, 1-based): chr8:86,743,549, T>G on the plus strand (A>C on the coding strand, the complement: CNGB3 is on the minus strand). VCF-style: chr8-86743549-T-G. GRCh37 (hg19) VCF-style: chr8-87755777-T-G.
Other names: short protein forms N27H.
Identifiers: ClinVar variation 2198872 (VCV002198872.1), dbSNP rs961561589, ClinGen allele CA180876020.

ClinVar aggregate classification (germline): Uncertain significance (1 of 4 stars; one submission).

Allele frequency attached by ClinVar (database versions not stated): gnomAD exomes 0.00001; gnomAD 0.00002; TOPMed 0.00003.
gnomAD v4.1: 11 of 1,613,928 alleles (0.00068%); highest among the groups gnomAD compares: Admixed American, 0.0067%; 1 homozygote.

Submission:

Labcorp Genetics (formerly Invitae), Labcorp
Classification: Uncertain significance. Last evaluated: 2022-05-27. Review status: criteria provided, single submitter. Criteria: Invitae Variant Classification Sherloc (09022015). Collection method: clinical testing. Allele origin: germline.
Comment: This sequence change replaces asparagine, which is neutral and polar, with histidine, which is basic and polar, at codon 27 of the CNGB3 protein (p.Asn27His). This variant is present in population databases (no rsID available, gnomAD 0.0009%). This variant has not been reported in the literature in individuals affected with CNGB3-related conditions. Advanced modeling of protein sequence and biophysical properties (such as structural, functional, and spatial information, amino acid conservation, physicochemical variation, residue mobility, and thermodynamic stability) performed at Invitae indicates that this missense variant is not expected to disrupt CNGB3 protein function. In summary, the available evidence is currently insufficient to determine the role of this variant in disease. Therefore, it has been classified as a Variant of Uncertain Significance.